The following is an entry in ClinVar:

ClinVar aggregate classification (germline): Benign. Review status: criteria provided, multiple submitters, no conflicts (2 of 4 stars). 3 submissions from 3 submitters: Benign (2). 1 of the submissions does not count toward it. Last evaluated 2018-11-15.

Conditions:
SPAG17-related disorder. Also called: SPAG17-related condition.

Allele frequency attached by ClinVar (database versions not stated): gnomAD exomes 0.00320 and 0.00649; ExAC 0.00703; gnomAD 0.01085 and 0.01119; TOPMed 0.01153; ESP Exome Variant Server 0.01161; 1000 Genomes Project 30x 0.01515; 1000 Genomes Project 0.01558.
gnomAD v4.1: 6,433 of 1,613,616 alleles (0.4%); highest among the groups gnomAD compares: African/African-American, 3%; 72 homozygotes.

Submissions (3):

Labcorp Genetics (formerly Invitae), Labcorp
Classification: Benign. Last evaluated: 2018-11-15. Review status: criteria provided, single submitter. Criteria: Invitae Variant Classification Sherloc (09022015). Collection method: clinical testing. Allele origin: germline.

Breakthrough Genomics
Classification: Benign. Review status: criteria provided, single submitter. Criteria: ACMG Guidelines, 2015. Collection method: not provided. Allele origin: germline. Inheritance: Autosomal recessive inheritance. Affected: yes.

PreventionGenetics, part of Exact Sciences
Classification: Benign for SPAG17-related condition. Last evaluated: 2019-03-29. Review status: no assertion criteria provided. Collection method: clinical testing. Allele origin: germline. Not counted in ClinVar's aggregate classification.
Comment: This variant is classified as benign based on ACMG/AMP sequence variant interpretation guidelines (Richards et al. 2015 PMID: 25741868, with internal and published modifications).

NM_206996.4(SPAG17):c.1684C>G (p.Gln562Glu)

Gene: SPAG17 (sperm associated antigen 17; minus strand). Cytogenetic location: 1p12.
Variant type: single nucleotide variant.
Coding change: c.1684C>G on transcript NM_206996.4 (MANE Select); coding-DNA position 1684, C replaced by G.
Protein change: p.Gln562Glu; replaces glutamine 562 with glutamic acid.
Molecular consequence: missense variant.
Genome position (GRCh38, 1-based): chr1:118,086,000, G>C on the plus strand (C>G on the coding strand, the complement: SPAG17 is on the minus strand). VCF-style: chr1-118086000-G-C. GRCh37 (hg19) VCF-style: chr1-118628623-G-C.
Other names: short protein forms Q562E.
Identifiers: ClinVar variation 775593 (VCV000775593.6), dbSNP rs112542201, ClinGen allele CA1034220.